The following is an entry in ClinVar:

NM_001378609.3(OTOGL):c.4744-5del

Gene: OTOGL (otogelin like; plus strand). Cytogenetic location: 12q21.31.
Variant type: Deletion.
Coding change: c.4744-5del on transcript NM_001378609.3 (MANE Select); 5 bases into the intron before coding-DNA position 4744, one base deleted (T; older notation c.4744-5delT).
Molecular consequence: intron variant.
Genome position (GRCh38, 1-based): chr12:80,336,792, T deleted; the last of 11 consecutive T bases (chr12:80,336,782-80,336,792); deleting any one gives the same sequence. VCF-style (leftmost placement, unchanged base first): chr12-80336781-CT-C. GRCh37 (hg19) VCF-style: chr12-80730561-CT-C.
Other names: c.4717-5delT (NM_173591.3); c.4609-5del (NM_001368062.3); c.4744-5del (NM_001378610.3, NM_173591.7).
Identifiers: ClinVar variation 226949 (VCV000226949.17), dbSNP rs11300714, ClinGen allele CA6701491.

ClinVar aggregate classification (germline): Benign. Review status: criteria provided, multiple submitters, no conflicts (2 of 4 stars). 3 submissions from 3 submitters: Benign (3). Last evaluated 2026-02-03.

Submissions (3):

Labcorp Genetics (formerly Invitae), Labcorp
Classification: Benign. Last evaluated: 2026-02-03. Review status: criteria provided, single submitter. Criteria: Invitae Variant Classification Sherloc (09022015). Collection method: clinical testing. Allele origin: germline.

GeneDx
Classification: Benign. Last evaluated: 2018-01-02. Review status: criteria provided, single submitter. Criteria: GeneDx Variant Classification Process June 2021. Collection method: clinical testing. Allele origin: germline. Affected: yes.

Laboratory for Molecular Medicine, Mass General Brigham Personalized Medicine
Classification: Benign. Last evaluated: 2014-11-05. Review status: criteria provided, single submitter. Criteria: LMM Criteria. Collection method: clinical testing. Allele origin: germline. Observed: 1 variant allele.
Comment: 4717-5delT in intron 39 of OTOGL: This variant is not expected to have clinical significance because it has been detected in 5.3% (779/14498) chromosomes across several diverse populations by the Exome Aggregate Consortium (dbSNP rs11300714). In addition, this variant affects a poly-T t ract in the 3' splice site region, and a deletion of a T at this position does n ot diverge from the splice consensus sequence and is therefore unlikely to impac t splicing.